The following is an entry in ClinVar:

NM_001353214.3(DYM):c.778G>A (p.Val260Ile)

Gene: DYM (dymeclin; minus strand). Cytogenetic location: 18q21.1.
Variant type: single nucleotide variant.
Coding change: c.778G>A on transcript NM_001353214.3 (MANE Select); coding-DNA position 778, G replaced by A.
Protein change: p.Val260Ile; replaces valine 260 with isoleucine.
Molecular consequence: missense variant. On other transcripts: intron variant (1).
Genome position (GRCh38, 1-based): chr18:49,286,602, C>T on the plus strand (G>A on the coding strand, the complement: DYM is on the minus strand). VCF-style: chr18-49286602-C-T. GRCh37 (hg19) VCF-style: chr18-46812972-C-T.
Other names: c.775G>A, p.Val259Ile (NM_001353210.3, NM_001353211.3, NM_001353212.3 and 3 more transcripts); c.778G>A, p.Val260Ile (NM_001353215.3, NM_001353216.3, NM_001374428.1 and 5 more transcripts); c.772G>A, p.Val258Ile (NM_001374429.1, NM_001374439.1); c.652G>A, p.Val218Ile (NM_001374432.1, NM_001374436.1); c.550G>A, p.Val184Ile (NM_001374440.1); c.208G>A, p.Val70Ile (NM_001374441.1, NM_001374442.1, NM_001374444.1); c.205G>A, p.Val69Ile (NM_001374443.1); c.764-4427G>A (NM_001374437.1); short protein forms V260I, V69I, V184I, V70I, V218I, V258I, V259I.
Identifiers: ClinVar variation 1388549 (VCV001388549.6), dbSNP rs1599132493, ClinGen allele CA402508657.
Genomic context (GRCh38, chr18:49,286,602, plus strand): 5'-GAGGGGAAGAAAGCTCTGGAGAGGCAGCCGCTTTGCTGCCCACACCACCTAGTGTGAAGA[C>T]AGTCCAGAGTCCTGCTGGGGAGGAAAACACCCTGTTAGGATGTGCTGCCACCAATGAGAT-3'
Protein context (NP_001340143.1, residues 250-270): ASGVATGLWT[Val260Ile]FTLGGVGSKA

ClinVar aggregate classification (germline): Uncertain significance (1 of 4 stars; one submission).

Allele frequency attached by ClinVar (database versions not stated): TOPMed below 0.00001; gnomAD 0.00001.
gnomAD v4.1: 2 of 1,613,842 alleles (0.00012%); highest among the groups gnomAD compares: East Asian, 0.0022%; no homozygotes.

Submission:

Labcorp Genetics (formerly Invitae), Labcorp
Classification: Uncertain significance. Last evaluated: 2025-03-17. Review status: criteria provided, single submitter. Criteria: Invitae Variant Classification Sherloc (09022015). Collection method: clinical testing. Allele origin: germline.
Comment: This sequence change replaces valine, which is neutral and non-polar, with isoleucine, which is neutral and non-polar, at codon 260 of the DYM protein (p.Val260Ile). This variant is not present in population databases (gnomAD no frequency). This variant has not been reported in the literature in individuals affected with DYM-related conditions. ClinVar contains an entry for this variant (Variation ID: 1388549). Invitae Evidence Modeling of protein sequence and biophysical properties (such as structural, functional, and spatial information, amino acid conservation, physicochemical variation, residue mobility, and thermodynamic stability) indicates that this missense variant is not expected to disrupt DYM protein function with a negative predictive value of 80%. In summary, the available evidence is currently insufficient to determine the role of this variant in disease. Therefore, it has been classified as a Variant of Uncertain Significance.